The following is an entry in ClinVar:

NM_000718.4(CACNA1B):c.3436A>G (p.Ile1146Val)

Gene: CACNA1B (calcium voltage-gated channel subunit alpha1 B; plus strand). Cytogenetic location: 9q34.3.
Variant type: single nucleotide variant.
Coding change: c.3436A>G on transcript NM_000718.4 (MANE Select); coding-DNA position 3436, A replaced by G.
Protein change: p.Ile1146Val; replaces isoleucine 1146 with valine.
Molecular consequence: missense variant.
Genome position (GRCh38, 1-based): chr9:138,046,926, A>G. VCF-style: chr9-138046926-A-G. GRCh37 (hg19) VCF-style: chr9-140941378-A-G.
Other names: c.3436A>G, p.Ile1146Val (NM_001243812.2); short protein forms I1146V.
Identifiers: ClinVar variation 1939494 (VCV001939494.3), dbSNP rs928985388, ClinGen allele CA201847771.

ClinVar aggregate classification (germline): Uncertain significance (1 of 4 stars; one submission).

Allele frequency attached by ClinVar (database versions not stated): gnomAD 0.00001; TOPMed 0.00001.
gnomAD v4.1: 5 of 1,613,366 alleles (0.00031%); highest among the groups gnomAD compares: Admixed American, 0.0033%; no homozygotes.

Submission:

Labcorp Genetics (formerly Invitae), Labcorp
Classification: Uncertain significance. Last evaluated: 2022-04-09. Review status: criteria provided, single submitter. Criteria: Invitae Variant Classification Sherloc (09022015). Collection method: clinical testing. Allele origin: germline.
Comment: This variant has not been reported in the literature in individuals affected with CACNA1B-related conditions. This sequence change replaces isoleucine, which is neutral and non-polar, with valine, which is neutral and non-polar, at codon 1146 of the CACNA1B protein (p.Ile1146Val). This variant is not present in population databases (gnomAD no frequency). Advanced modeling of protein sequence and biophysical properties (such as structural, functional, and spatial information, amino acid conservation, physicochemical variation, residue mobility, and thermodynamic stability) performed at Invitae indicates that this missense variant is not expected to disrupt CACNA1B protein function. In summary, the available evidence is currently insufficient to determine the role of this variant in disease. Therefore, it has been classified as a Variant of Uncertain Significance.